The following is an entry in ClinVar:

NM_004069.6(AP2S1):c.153G>C (p.Glu51Asp)

Gene: AP2S1 (adaptor related protein complex 2 subunit sigma 1; minus strand). Cytogenetic location: 19q13.32.
Variant type: single nucleotide variant.
Coding change: c.153G>C on transcript NM_004069.6 (MANE Select); coding-DNA position 153, G replaced by C.
Protein change: p.Glu51Asp; replaces glutamic acid 51 with aspartic acid.
Molecular consequence: missense variant.
Genome position (GRCh38, 1-based): chr19:46,845,993, C>G on the plus strand (G>C on the coding strand, the complement: AP2S1 is on the minus strand). VCF-style: chr19-46845993-C-G. GRCh37 (hg19) VCF-style: chr19-47349250-C-G.
Other names: c.201G>C, p.Glu67Asp (NM_001301076.3); c.153G>C, p.Glu51Asp (NM_001301078.3, NM_021575.5); c.159G>C, p.Glu53Asp (NM_001301081.3); short protein forms E51D, E53D, E67D.
Identifiers: ClinVar variation 3572505 (VCV003572505.1).

ClinVar aggregate classification (germline): Uncertain significance (1 of 4 stars; one submission).

Submission:

GeneDx
Classification: Uncertain significance. Last evaluated: 2025-01-13. Review status: criteria provided, single submitter. Criteria: GeneDx Variant Classification Process June 2021. Collection method: clinical testing. Allele origin: germline. Affected: yes.
Comment: Not observed at significant frequency in large population cohorts (gnomAD); In silico analysis supports that this missense variant has a deleterious effect on protein structure/function; In silico analysis supports a deleterious effect on splicing; Has not been previously published as pathogenic or benign to our knowledge